The following is an entry in ClinVar:

NM_003722.5(TP63):c.1583C>A (p.Pro528Gln)

Gene: TP63 (tumor protein p63; plus strand). Cytogenetic location: 3q28.
Variant type: single nucleotide variant.
Coding change: c.1583C>A on transcript NM_003722.5 (MANE Select); coding-DNA position 1583, C replaced by A.
Protein change: p.Pro528Gln; replaces proline 528 with glutamine.
Molecular consequence: missense variant. On other transcripts: intron variant (4).
Genome position (GRCh38, 1-based): chr3:189,889,415, C>A. VCF-style: chr3-189889415-C-A. GRCh37 (hg19) VCF-style: chr3-189607204-C-A.
Other names: c.1583C>A, p.Pro528Gln (NM_001114978.2); c.1301C>A, p.Pro434Gln (NM_001114980.2, NM_001114981.2); c.1046C>A, p.Pro349Gln (NM_001329146.2); c.1571C>A, p.Pro524Gln (NM_001329148.2); c.1577C>A, p.Pro526Gln (NM_001329964.2); c.1507+2864C>A (NM_001329144.2); c.1225+2864C>A (NM_001329145.2); c.1213+2864C>A (NM_001329149.2); and 1 more; short protein forms P434Q, P524Q, P528Q, P349Q, P526Q.
Identifiers: ClinVar variation 1385690 (VCV001385690.9), dbSNP rs761041436, ClinGen allele CA355758402.
Genomic context (GRCh38, chr3:189,889,415, plus strand): 5'-CCCACATGCCAATGGCTGGAGACATGAATGGACTCAGCCCCACCCAGGCACTCCCTCCCC[C>A]ACTCTCCATGCCATCCACCTCCCACTGCACACCCCCACCTCCGTATCCCACAGATTGCAG-3'
Protein context (NP_003713.3, residues 518-538): GLSPTQALPP[Pro528Gln]LSMPSTSHCT

ClinVar aggregate classification (germline): Uncertain significance. Review status: criteria provided, multiple submitters, no conflicts (2 of 4 stars). 3 submissions from 3 submitters: Uncertain significance (3). Last evaluated 2024-04-10.

Conditions:
TP63-Related Spectrum Disorders.
Ectrodactyly, ectodermal dysplasia, and cleft lip-palate syndrome 3. Also called: Ectrodactyly, Ectodermal Dysplasia, Clefting Syndrome; Ectrodactyly, Ectodermal Dysplasia, Cleft Lip/Palate Syndrome 3 (EEC3); Ectrodactyly, Ectodermal Dysplasia, Clefting Syndrome Type 3 (EEC3); EEC SYNDROME 3. Identifiers: Orphanet 1896, MedGen C1858562, MONDO:0011428, OMIM 604292.
Orofacial cleft 8. Also called: Cleft lip with or without cleft palate, nonsyndromic, 8. Identifiers: MedGen C1851878, MONDO:0029145, OMIM 618149.
Limb-mammary syndrome (LMS). Also called: Mammary hypoplasia, ectrodactyly, and other hand/foot anomalies. Identifiers: Orphanet 69085, MedGen C1863753, MONDO:0011334, OMIM 603543.
Premature ovarian failure 21 (POF21). Identifiers: MedGen C5830399, MONDO:0957216, OMIM 620311.
ADULT syndrome. Also called: Acro-Dermo-Ungual-Lacrimal-Tooth Syndrome (ADULT Syndrome); Acro-dermato-ungual-lacrimal-tooth (adult) syndrome; ACRO-DERMATO-UNGUAL-LACRIMAL-TOOTH SYNDROME. Identifiers: Orphanet 978, MedGen C1863204, MONDO:0007072, OMIM 103285.
Rapp-Hodgkin syndrome (RHS). Also called: Isolated Cleft Lip/Cleft Palate (Orofacial Cleft 8); ECTODERMAL DYSPLASIA, ANHIDROTIC, WITH CLEFT LIP/PALATE; Rapp-Hodgkin ectodermal dysplasia syndrome. Identifiers: MedGen C1785148, MONDO:0007508, OMIM 129400.
Split hand-foot malformation 4. Also called: Split-Hand/Foot Malformation Type 4 (SHFM4); Split-Hand/Foot Malformation Type 4 (SHFM4 syndrome). Identifiers: Orphanet 2440, MedGen C1854442, MONDO:0011535, OMIM 605289.
Ankyloblepharon-ectodermal defects-cleft lip/palate syndrome. Also called: Hay-Wells syndrome of ectodermal dysplasia; Ankyloblepharon-Ectodermal Defects-Cleft Lip/Palate Syndrome (AEC Syndrome); AEC SYNDROME; HAY-WELLS SYNDROME; Ankyloblepharon-ectodermal defects, cleft lip/palate. Identifiers: Orphanet 1071, MedGen C0406709, MONDO:0007124, OMIM 106260.

gnomAD v4.1: 3 of 1,614,018 alleles (0.00019%); highest among the groups gnomAD compares: Admixed American, 0.0033%; no homozygotes.

Submissions (3):

Fulgent Genetics
Classification: Uncertain significance for ADULT syndrome; Ankyloblepharon-ectodermal defects-cleft lip/palate syndrome; Rapp-Hodgkin syndrome; Limb-mammary syndrome; Ectrodactyly, ectodermal dysplasia, and cleft lip-palate syndrome 3; Split hand-foot malformation 4; Orofacial cleft 8; Premature ovarian failure 21. Last evaluated: 2024-04-10. Review status: criteria provided, single submitter. Criteria: ACMG Guidelines, 2015. Collection method: clinical testing. Allele origin: germline.

Labcorp Genetics (formerly Invitae), Labcorp
Classification: Uncertain significance. Last evaluated: 2023-06-06. Review status: criteria provided, single submitter. Criteria: Invitae Variant Classification Sherloc (09022015). Collection method: clinical testing. Allele origin: germline.
Comment: In summary, the available evidence is currently insufficient to determine the role of this variant in disease. Therefore, it has been classified as a Variant of Uncertain Significance. Advanced modeling of protein sequence and biophysical properties (such as structural, functional, and spatial information, amino acid conservation, physicochemical variation, residue mobility, and thermodynamic stability) has been performed at Invitae for this missense variant, however the output from this modeling did not meet the statistical confidence thresholds required to predict the impact of this variant on TP63 protein function. ClinVar contains an entry for this variant (Variation ID: 1385690). This variant has not been reported in the literature in individuals affected with TP63-related conditions. This variant is present in population databases (no rsID available, gnomAD 0.003%). This sequence change replaces proline, which is neutral and non-polar, with glutamine, which is neutral and polar, at codon 528 of the TP63 protein (p.Pro528Gln).

GeneDx
Classification: Uncertain significance. Last evaluated: 2022-06-27. Review status: criteria provided, single submitter. Criteria: GeneDx Variant Classification Process June 2021. Collection method: clinical testing. Allele origin: germline. Affected: yes.
Comment: In silico analysis supports that this missense variant does not alter protein structure/function; Has not been previously published as pathogenic or benign to our knowledge